The following is an entry in ClinVar:

ClinVar aggregate classification (germline): Uncertain significance. Review status: criteria provided, multiple submitters, no conflicts (2 of 4 stars). 4 submissions from 4 submitters: Uncertain significance (4). Last evaluated 2026-01-27.

Conditions:
Ullrich congenital muscular dystrophy 2 (UCMD2). Identifiers: Orphanet 75840, MedGen C4225314, MONDO:0014654, OMIM 616470.
Bethlem myopathy 2 (BTHLM2). Identifiers: Orphanet 536516, Orphanet 610, MedGen C4225313, MONDO:0034022, OMIM 616471.

gnomAD v4.1: 7 of 1,609,898 alleles (0.00043%); highest among the groups gnomAD compares: Non-Finnish European, 0.00059%; no homozygotes.

Submissions (4):

Labcorp Genetics (formerly Invitae), Labcorp
Classification: Uncertain significance for Bethlem myopathy 2; Ullrich congenital muscular dystrophy 2. Last evaluated: 2026-01-27. Review status: criteria provided, single submitter. Criteria: Invitae Variant Classification Sherloc (09022015). Collection method: clinical testing. Allele origin: germline.
Comment: This sequence change replaces aspartic acid, which is acidic and polar, with alanine, which is neutral and non-polar, at codon 1162 of the COL12A1 protein (p.Asp1162Ala). This variant is not present in population databases (gnomAD no frequency). This variant has not been reported in the literature in individuals affected with COL12A1-related conditions. ClinVar contains an entry for this variant (Variation ID: 853947). Invitae Evidence Modeling of protein sequence and biophysical properties (such as structural, functional, and spatial information, amino acid conservation, physicochemical variation, residue mobility, and thermodynamic stability) indicates that this missense variant is not expected to disrupt COL12A1 protein function with a negative predictive value of 80%. In summary, the available evidence is currently insufficient to determine the role of this variant in disease. Therefore, it has been classified as a Variant of Uncertain Significance.

GeneDx
Classification: Uncertain significance. Last evaluated: 2025-04-24. Review status: criteria provided, single submitter. Criteria: GeneDx Variant Classification Process June 2021. Collection method: clinical testing. Allele origin: germline.
Comment: Not observed at significant frequency in large population cohorts (gnomAD); In silico analysis indicates that this missense variant does not alter protein structure/function; Has not been previously published as pathogenic or benign to our knowledge

Women's Health and Genetics/Laboratory Corporation of America, LabCorp
Classification: Uncertain significance. Last evaluated: 2025-01-07. Review status: criteria provided, single submitter. Criteria: LabCorp Variant Classification Summary - May 2015. Collection method: clinical testing. Allele origin: germline.
Comment: Variant summary: COL12A1 c.3485A>C (p.Asp1162Ala) results in a non-conservative amino acid change located in the Fibronectin type-III domain of the encoded protein sequence. Four of five in-silico tools predict a damaging effect of the variant on protein function. The variant was absent in 247206 control chromosomes. The available data on variant occurrences in the general population are insufficient to allow any conclusion about variant significance. To our knowledge, no occurrence of c.3485A>C in individuals affected with Ullrich congenital muscular dystrophy 2 and no experimental evidence demonstrating its impact on protein function have been reported. ClinVar contains an entry for this variant (Variation ID: 853947). Based on the evidence outlined above, the variant was classified as uncertain significance.

Revvity Omics, Revvity
Classification: Uncertain significance. Last evaluated: 2023-08-17. Review status: criteria provided, single submitter. Criteria: ACMG Guidelines, 2015. Collection method: clinical testing. Allele origin: germline.

NM_004370.6(COL12A1):c.3485A>C (p.Asp1162Ala)

Gene: COL12A1 (collagen type XII alpha 1 chain; minus strand). Cytogenetic location: 6q13.
Variant type: single nucleotide variant.
Coding change: c.3485A>C on transcript NM_004370.6 (MANE Select); coding-DNA position 3485, A replaced by C.
Protein change: p.Asp1162Ala; replaces aspartic acid 1162 with alanine.
Molecular consequence: missense variant. On other transcripts: intron variant (1).
Genome position (GRCh38, 1-based): chr6:75,154,496, T>G on the plus strand (A>C on the coding strand, the complement: COL12A1 is on the minus strand). VCF-style: chr6-75154496-T-G. GRCh37 (hg19) VCF-style: chr6-75864212-T-G.
Other names: c.74-2014A>C (NM_080645.3); short protein forms D1162A.
Identifiers: ClinVar variation 853947 (VCV000853947.15), dbSNP rs770692332, ClinGen allele CA364751350.